The following is an entry in ClinVar:

NM_001085487.3(MYSM1):c.2287A>G (p.Lys763Glu)

Gene: MYSM1 (Myb like, SWIRM and MPN domains 1; minus strand). Cytogenetic location: 1p32.1.
Variant type: single nucleotide variant.
Coding change: c.2287A>G on transcript NM_001085487.3 (MANE Select); coding-DNA position 2287, A replaced by G.
Protein change: p.Lys763Glu; replaces lysine 763 with glutamic acid.
Molecular consequence: missense variant.
Genome position (GRCh38, 1-based): chr1:58,661,211, T>C on the plus strand (A>G on the coding strand, the complement: MYSM1 is on the minus strand). VCF-style: chr1-58661211-T-C. GRCh37 (hg19) VCF-style: chr1-59126883-T-C.
Other names: short protein forms K763E.
Identifiers: ClinVar variation 2117180 (VCV002117180.4), dbSNP rs2524134028, ClinGen allele CA340517975.
Genomic context (GRCh38, chr1:58,661,211, plus strand): 5'-TAAAATGAAGACAGCTTACTTTCTGCAAACAAGTCAGGTCAGAATCCCGGCGAAAGATTT[T>C]ATCCATGGGGACGCTGCTGTAGGAAGAAATATGAAAACAAACTGGTGAAACGAATACTAT-3'
Protein context (NP_001078956.1, residues 753-773): RLSHSSVPMD[Lys763Glu]IFRRDSDLTC

ClinVar aggregate classification (germline): Uncertain significance (1 of 4 stars; one submission).

Allele frequency attached by ClinVar (database versions not stated): gnomAD exomes below 0.00001.
gnomAD v4.1: 1 of 1,613,296 alleles (0.000062%); highest among the groups gnomAD compares: Non-Finnish European, 0.000085%; no homozygotes.

Submission:

Labcorp Genetics (formerly Invitae), Labcorp
Classification: Uncertain significance. Last evaluated: 2022-03-26. Review status: criteria provided, single submitter. Criteria: Invitae Variant Classification Sherloc (09022015). Collection method: clinical testing. Allele origin: germline.
Comment: This variant is not present in population databases (gnomAD no frequency). This sequence change replaces lysine, which is basic and polar, with glutamic acid, which is acidic and polar, at codon 763 of the MYSM1 protein (p.Lys763Glu). In summary, the available evidence is currently insufficient to determine the role of this variant in disease. Therefore, it has been classified as a Variant of Uncertain Significance. This variant has not been reported in the literature in individuals affected with MYSM1-related conditions. Algorithms developed to predict the effect of missense changes on protein structure and function (SIFT, PolyPhen-2, Align-GVGD) all suggest that this variant is likely to be tolerated.